The following is an entry in ClinVar:

ClinVar aggregate classification (germline): Conflicting classifications of pathogenicity. Review status: criteria provided, conflicting classifications (1 of 4 stars). 2 submissions from 2 submitters: Uncertain significance (1); Likely benign (1). Last evaluated 2026-09-01.

gnomAD v4.1: 25 of 1,206,529 alleles (0.0021%); highest among the groups gnomAD compares: East Asian, 0.0089%; no homozygotes.

Submissions (2):

CeGaT Center for Human Genetics Tuebingen
Classification: Likely benign. Last evaluated: 2026-09-01. Review status: criteria provided, single submitter. Criteria: CeGaT Center For Human Genetics Tuebingen Variant Classification Criteria Version 2. Collection method: clinical testing. Allele origin: germline. Affected: yes. Observed: 1 variant allele.
Comment: PHF8: BS2

Blueprint Genetics
Classification: Uncertain significance. Last evaluated: 2022-05-10. Review status: criteria provided, single submitter. Criteria: ACMG Guidelines, 2015. Collection method: clinical testing. Allele origin: germline.

NM_015107.3(PHF8):c.2213C>T (p.Pro738Leu)

Gene: PHF8 (PHD finger protein 8; minus strand). Cytogenetic location: Xp11.22.
Variant type: single nucleotide variant.
Coding change: c.2213C>T on transcript NM_015107.3 (MANE Select); coding-DNA position 2213, C replaced by T.
Protein change: p.Pro738Leu; replaces proline 738 with leucine.
Molecular consequence: missense variant.
Genome position (GRCh38, 1-based): chrX:53,985,144, G>A on the plus strand (C>T on the coding strand, the complement: PHF8 is on the minus strand). VCF-style: chrX-53985144-G-A. GRCh37 (hg19) VCF-style: chrX-54011577-G-A.
Other names: c.2321C>T, p.Pro774Leu (NM_001184896.1, NM_001441097.1); c.1910C>T, p.Pro637Leu (NM_001184897.2); c.2162C>T, p.Pro721Leu (NM_001184898.2); c.2018C>T, p.Pro673Leu (NM_001441096.1, NM_001441098.1); short protein forms P637L, P673L, P738L, P721L, P774L.
Identifiers: ClinVar variation 4951013 (VCV004951013.2).